The following is an entry in ClinVar:

NM_001367624.2(ZNF469):c.1047C>G (p.Ser349Arg)

Gene: ZNF469 (zinc finger protein 469; plus strand). Cytogenetic location: 16q24.2.
Variant type: single nucleotide variant.
Coding change: c.1047C>G on transcript NM_001367624.2 (MANE Select); coding-DNA position 1047, C replaced by G.
Protein change: p.Ser349Arg; replaces serine 349 with arginine.
Molecular consequence: missense variant.
Genome position (GRCh38, 1-based): chr16:88,428,517, C>G. VCF-style: chr16-88428517-C-G. GRCh37 (hg19) VCF-style: chr16-88494925-C-G.
Other names: NM_001127464.1:c.1047C>G; short protein forms S349R.
Identifiers: ClinVar variation 1307284 (VCV001307284.3), dbSNP rs550642046, ClinGen allele CA8224653.
Genomic context (GRCh38, chr16:88,428,517, plus strand): 5'-GCCTGCGCCCTCACCCCTGCCCTGCTACCAGGGCCAGCCAGGTGGCCTGAACCGCCACAG[C>G]GACCTCAGTGGTGCCCTCTCTTCCCCTGGAGCTGCTCACTCGGCCCCGAGACCCTTCTCT-3'
Protein context (NP_001354553.1, residues 339-359): QGQPGGLNRH[Ser349Arg]DLSGALSSPG

ClinVar aggregate classification (germline): Uncertain significance. Review status: criteria provided, multiple submitters, no conflicts (2 of 4 stars). 2 submissions from 2 submitters: Uncertain significance (2). Last evaluated 2024-10-07.

gnomAD v4.1: 5 of 1,549,890 alleles (0.00032%); highest among the groups gnomAD compares: South Asian, 0.0012%; no homozygotes.

Submissions (2):

Labcorp Genetics (formerly Invitae), Labcorp
Classification: Uncertain significance. Last evaluated: 2024-10-07. Review status: criteria provided, single submitter. Criteria: Invitae Variant Classification Sherloc (09022015). Collection method: clinical testing. Allele origin: germline.
Comment: This sequence change replaces serine, which is neutral and polar, with arginine, which is basic and polar, at codon 349 of the ZNF469 protein (p.Ser349Arg). This variant is present in population databases (rs550642046, gnomAD 0.02%). This variant has not been reported in the literature in individuals affected with ZNF469-related conditions. ClinVar contains an entry for this variant (Variation ID: 1307284). An algorithm developed to predict the effect of missense changes on protein structure and function outputs the following: PolyPhen-2: "Benign". The arginine amino acid residue is found in multiple mammalian species, which suggests that this missense change does not adversely affect protein function. In summary, the available evidence is currently insufficient to determine the role of this variant in disease. Therefore, it has been classified as a Variant of Uncertain Significance.

GeneDx
Classification: Uncertain significance. Last evaluated: 2021-06-18. Review status: criteria provided, single submitter. Criteria: GeneDx Variant Classification Process June 2021. Collection method: clinical testing. Allele origin: germline. Affected: yes.
Comment: Has not been previously published as pathogenic or benign to our knowledge; In silico analysis, which includes protein predictors and evolutionary conservation, supports that this variant does not alter protein structure/function; This variant is associated with the following publications: (PMID: 27535533)